The following is an entry in ClinVar:

NM_001012339.3(DNAJC21):c.1421A>T (p.Glu474Val)

Gene: DNAJC21 (DnaJ heat shock protein family (Hsp40) member C21; plus strand). Cytogenetic location: 5p13.2.
Variant type: single nucleotide variant.
Coding change: c.1421A>T on transcript NM_001012339.3 (MANE Select); coding-DNA position 1421, A replaced by T.
Protein change: p.Glu474Val; replaces glutamic acid 474 with valine.
Molecular consequence: missense variant.
Genome position (GRCh38, 1-based): chr5:34,953,988, A>T. VCF-style: chr5-34953988-A-T. GRCh37 (hg19) VCF-style: chr5-34954093-A-T.
Other names: c.1460A>T, p.Glu487Val (NM_001348420.2); c.1556A>T, p.Glu519Val (NM_194283.4); c.1556A>T (NM_194283.3); short protein forms E474V, E519V, E487V.
Identifiers: ClinVar variation 1349116 (VCV001349116.8), dbSNP rs202203777, ClinGen allele CA3228846.

ClinVar aggregate classification (germline): Uncertain significance. Review status: criteria provided, multiple submitters, no conflicts (2 of 4 stars). 2 submissions from 2 submitters: Uncertain significance (2). Last evaluated 2025-10-07.

Conditions:
Inborn genetic diseases. Identifiers: MedGen C0950123, MeSH D030342.

Allele frequency attached by ClinVar (database versions not stated): ExAC 0.00002; gnomAD 0.00001; TOPMed 0.00001; gnomAD exomes 0.00002.
gnomAD v4.1: 13 of 1,611,136 alleles (0.00081%); highest among the groups gnomAD compares: Admixed American, 0.012%; no homozygotes.

Submissions (2):

Ambry Genetics
Classification: Uncertain significance for Inborn genetic diseases. Last evaluated: 2025-10-07. Review status: criteria provided, single submitter. Criteria: Ambry Variant Classification Scheme 2023. Collection method: clinical testing. Allele origin: germline.

Labcorp Genetics (formerly Invitae), Labcorp
Classification: Uncertain significance. Last evaluated: 2024-01-27. Review status: criteria provided, single submitter. Criteria: Invitae Variant Classification Sherloc (09022015). Collection method: clinical testing. Allele origin: germline.
Comment: This sequence change replaces glutamic acid, which is acidic and polar, with valine, which is neutral and non-polar, at codon 474 of the DNAJC21 protein (p.Glu474Val). This variant is present in population databases (rs202203777, gnomAD 0.01%). This variant has not been reported in the literature in individuals affected with DNAJC21-related conditions. ClinVar contains an entry for this variant (Variation ID: 1349116). An algorithm developed to predict the effect of missense changes on protein structure and function (PolyPhen-2) suggests that this variant is likely to be disruptive. In summary, the available evidence is currently insufficient to determine the role of this variant in disease. Therefore, it has been classified as a Variant of Uncertain Significance.